The following is an entry in ClinVar:

ClinVar aggregate classification (germline): Uncertain significance (1 of 4 stars; one submission).

Submission:

Ambry Genetics
Classification: Uncertain significance. Last evaluated: 2026-08-11. Review status: criteria provided, single submitter. Criteria: Ambry Variant Classification Scheme 2023. Collection method: clinical testing. Allele origin: germline.
Comment: The p.V1504L variant (also known as c.4510G>T), located in coding exon 19 of the WNK2 gene, results from a G to T substitution at nucleotide position 4510. The valine at codon 1504 is replaced by leucine, an amino acid with highly similar properties. This amino acid position is conserved. In addition, this alteration is predicted to be tolerated by in silico analysis. Based on the available evidence, the clinical significance of this variant remains unclear.

NM_006648.4(WNK2):c.4510G>T (p.Val1504Leu)

Gene: WNK2 (WNK lysine deficient protein kinase 2; plus strand). Cytogenetic location: 9q22.31.
Variant type: single nucleotide variant.
Coding change: c.4510G>T on transcript NM_006648.4 (MANE Select); coding-DNA position 4510, G replaced by T.
Protein change: p.Val1504Leu; replaces valine 1504 with leucine.
Molecular consequence: missense variant.
Genome position (GRCh38, 1-based): chr9:93,289,264, G>T. VCF-style: chr9-93289264-G-T. GRCh37 (hg19) VCF-style: chr9-96051546-G-T.
Other names: c.4621G>T, p.Val1541Leu (NM_001282394.3); short protein forms V1504L, V1541L.
Identifiers: ClinVar variation 5031921 (VCV005031921.1).
Genomic context (GRCh38, chr9:93,289,264, plus strand): 5'-CCCCACAGCGGGACCCCACAGCCCGCCTTGGGTCAACCTGCTCCCCTGCTTCCTGCCGCA[G>T]TGGGGGCCGTCAGCCTGGCCACCTCCCAGCTCCCAAGCCCACCCCTGGGGCCCACCGTCC-3'
Protein context (NP_006639.3, residues 1494-1514): GQPAPLLPAA[Val1504Leu]GAVSLATSQL